The following is an entry in ClinVar:

NM_000093.5(COL5A1):c.1611dup (p.Met538fs)

Gene: COL5A1 (collagen type V alpha 1 chain; plus strand). Cytogenetic location: 9q34.3.
Variant type: Duplication.
Coding change: c.1611dup on transcript NM_000093.5 (MANE Select); coding-DNA position 1611, one base duplicated (C; older notation c.1611dupC).
Protein change: p.Met538fs; shifts the reading frame from methionine 538.
Molecular consequence: frameshift variant.
Genome position (GRCh38, 1-based): chr9:134,750,831, C duplicated; the last of 4 consecutive C bases (chr9:134,750,828-134,750,831); duplicating any one gives the same sequence. VCF-style (leftmost placement, unchanged base first): chr9-134750827-G-GC. GRCh37 (hg19) VCF-style: chr9-137642673-G-GC.
Other names: c.1611dup, p.Met538fs (NM_001278074.1); short protein forms M538fs.
Identifiers: ClinVar variation 2131799 (VCV002131799.4), dbSNP rs2490588050, ClinGen allele CA2580080035.

ClinVar aggregate classification (germline): Pathogenic (1 of 4 stars; one submission).

Conditions:
Ehlers-Danlos syndrome, classic type, 1 (EDSCL1). Also called: Ehlers-Danlos Syndrome, Classic Type, COL5A1-Related; EHLERS-DANLOS SYNDROME, GRAVIS TYPE; EHLERS-DANLOS SYNDROME, SEVERE CLASSIC TYPE; Ehlers-Danlos syndrome, type 1; EDS I. Identifiers: MedGen C0268335, MONDO:0019567, OMIM 130000.

Submission:

Labcorp Genetics (formerly Invitae), Labcorp
Classification: Pathogenic for Ehlers-Danlos syndrome, classic type, 1. Last evaluated: 2022-04-29. Review status: criteria provided, single submitter. Criteria: Invitae Variant Classification Sherloc (09022015). Collection method: clinical testing. Allele origin: germline.
Comment: This variant has not been reported in the literature in individuals affected with COL5A1-related conditions. For these reasons, this variant has been classified as Pathogenic. This variant is not present in population databases (gnomAD no frequency). This sequence change creates a premature translational stop signal (p.Met538Hisfs*78) in the COL5A1 gene. It is expected to result in an absent or disrupted protein product. Loss-of-function variants in COL5A1 are known to be pathogenic (PMID: 23587214).

Literature cited by the submitters: PubMed 23587214.